The following is an entry in ClinVar:

ClinVar aggregate classification (germline): Uncertain significance (1 of 4 stars; one submission).

Submission:

GeneDx
Classification: Uncertain significance. Last evaluated: 2026-03-27. Review status: criteria provided, single submitter. Criteria: GeneDx Variant Classification Process June 2021. Collection method: clinical testing. Allele origin: germline.
Comment: Not observed at significant frequency in large population cohorts (gnomAD); In silico analysis supports that this missense variant has a deleterious effect on protein structure/function; Has not been previously published as pathogenic or benign to our knowledge

NM_004736.4(XPR1):c.67G>A (p.Glu23Lys)

Gene: XPR1 (xenotropic and polytropic retrovirus receptor 1; plus strand). Cytogenetic location: 1q25.3.
Variant type: single nucleotide variant.
Coding change: c.67G>A on transcript NM_004736.4 (MANE Select); coding-DNA position 67, G replaced by A.
Protein change: p.Glu23Lys; replaces glutamic acid 23 with lysine.
Molecular consequence: missense variant. On other transcripts: non-coding transcript variant (1).
Genome position (GRCh38, 1-based): chr1:180,632,268, G>A. VCF-style: chr1-180632268-G-A. GRCh37 (hg19) VCF-style: chr1-180601404-G-A.
Other names: c.67G>A, p.Glu23Lys (NM_001135669.2, NM_001328662.2); short protein forms E23K.
Identifiers: ClinVar variation 5017404 (VCV005017404.1).
Genomic context (GRCh38, chr1:180,632,268, plus strand): 5'-TTCGCCGAGCACCTCTCCGCGCACATCACTCCCGAGTGGAGGAAGCAATACATCCAGTAT[G>A]AGGTACCGGCACGGCTGGGGTGTGGGAGGACTCGGAGGGGCCACCATCTCGCCAGTCCTG-3'
Protein context (NP_004727.2, residues 13-33): PEWRKQYIQY[Glu23Lys]AFKDMLYSAQ